The following is an entry in ClinVar:

NM_014712.3(SETD1A):c.3924C>G (p.Pro1308=)

Gene: SETD1A (SET domain containing 1A, histone lysine methyltransferase; plus strand). Cytogenetic location: 16p11.2.
Variant type: single nucleotide variant.
Coding change: c.3924C>G on transcript NM_014712.3 (MANE Select); coding-DNA position 3924, C replaced by G.
Protein change: p.Pro1308=; no amino-acid change (proline 1308 retained).
Molecular consequence: synonymous variant.
Genome position (GRCh38, 1-based): chr16:30,979,710, C>G. VCF-style: chr16-30979710-C-G. GRCh37 (hg19) VCF-style: chr16-30991031-C-G.
Identifiers: ClinVar variation 2578764 (VCV002578764.25), dbSNP rs148512907, ClinGen allele CA8017409.

ClinVar aggregate classification (germline): Likely benign (1 of 4 stars; one submission).

Allele frequency attached by ClinVar (database versions not stated): 1000 Genomes Project 0.00040; ExAC 0.00044; gnomAD 0.00058; 1000 Genomes Project 30x 0.00062; TOPMed 0.00067; ESP Exome Variant Server 0.00101.
gnomAD v4.1: 1,249 of 1,602,758 alleles (0.078%); highest among the groups gnomAD compares: Non-Finnish European, 0.098%; no homozygotes.

Submission:

CeGaT Center for Human Genetics Tuebingen
Classification: Likely benign. Last evaluated: 2025-05-01. Review status: criteria provided, single submitter. Criteria: CeGaT Center For Human Genetics Tuebingen Variant Classification Criteria Version 2. Collection method: clinical testing. Allele origin: germline. Affected: yes. Observed: 6 variant alleles.
Comment: SETD1A: BP4, BP7